The following is an entry in ClinVar:

ClinVar aggregate classification (germline): Uncertain significance (1 of 4 stars; one submission).

gnomAD v4.1: 1 of 1,613,866 alleles (0.000062%); highest among the groups gnomAD compares: South Asian, 0.0011%; no homozygotes.

Submission:

Labcorp Genetics (formerly Invitae), Labcorp
Classification: Uncertain significance. Last evaluated: 2025-12-08. Review status: criteria provided, single submitter. Criteria: Invitae Variant Classification Sherloc (09022015). Collection method: clinical testing. Allele origin: germline.
Comment: This sequence change replaces serine, which is neutral and polar, with phenylalanine, which is neutral and non-polar, at codon 203 of the TBC1D32 protein (p.Ser203Phe). This variant is not present in population databases (gnomAD no frequency). This variant has not been reported in the literature in individuals affected with TBC1D32-related conditions. ClinVar contains an entry for this variant (Variation ID: 3662124). An algorithm developed to predict the effect of missense changes on protein structure and function (PolyPhen-2) suggests that this variant is likely to be disruptive. In summary, the available evidence is currently insufficient to determine the role of this variant in disease. Therefore, it has been classified as a Variant of Uncertain Significance.

NM_152730.6(TBC1D32):c.608C>T (p.Ser203Phe)

Gene: TBC1D32 (TBC1 domain family member 32; minus strand). Cytogenetic location: 6q22.31.
Variant type: single nucleotide variant.
Coding change: c.608C>T on transcript NM_152730.6 (MANE Select); coding-DNA position 608, C replaced by T.
Protein change: p.Ser203Phe; replaces serine 203 with phenylalanine.
Molecular consequence: missense variant. On other transcripts: non-coding transcript variant (1).
Genome position (GRCh38, 1-based): chr6:121,308,058, G>A on the plus strand (C>T on the coding strand, the complement: TBC1D32 is on the minus strand). VCF-style: chr6-121308058-G-A. GRCh37 (hg19) VCF-style: chr6-121629204-G-A.
Other names: c.608C>T, p.Ser203Phe (NM_001367759.1, NM_001367760.1); short protein forms S203F.
Identifiers: ClinVar variation 3662124 (VCV003662124.2).